The following is an entry in ClinVar:

ClinVar aggregate classification (germline): Conflicting classifications of pathogenicity. Review status: criteria provided, conflicting classifications (1 of 4 stars). 2 submissions from 2 submitters: Likely pathogenic (1); Uncertain significance (1). Last evaluated 2026-05-06.

Conditions:
Primary ciliary dyskinesia. Also called: Ciliary dyskinesia. Identifiers: Orphanet 244, MedGen C0008780, MONDO:0016575, HP:0012265.

Allele frequency attached by ClinVar (database versions not stated): ESP Exome Variant Server 0.00008.
gnomAD v4.1: 36 of 1,613,946 alleles (0.0022%); highest among the groups gnomAD compares: Non-Finnish European, 0.003%; no homozygotes.

Submissions (2):

GeneDx
Classification: Likely pathogenic. Last evaluated: 2026-05-06. Review status: criteria provided, single submitter. Criteria: GeneDx Variant Classification Process June 2021. Collection method: clinical testing. Allele origin: germline.
Comment: In silico analysis suggests that this missense variant does not alter protein structure/function; Has not been previously published as pathogenic or benign to our knowledge

Labcorp Genetics (formerly Invitae), Labcorp
Classification: Uncertain significance for Primary ciliary dyskinesia. Last evaluated: 2023-12-02. Review status: criteria provided, single submitter. Criteria: Invitae Variant Classification Sherloc (09022015). Collection method: clinical testing. Allele origin: germline.
Comment: This sequence change replaces alanine, which is neutral and non-polar, with serine, which is neutral and polar, at codon 538 of the DNAI1 protein (p.Ala538Ser). This variant is present in population databases (rs368248592, gnomAD 0.004%). This variant has not been reported in the literature in individuals affected with DNAI1-related conditions. Advanced modeling of protein sequence and biophysical properties (such as structural, functional, and spatial information, amino acid conservation, physicochemical variation, residue mobility, and thermodynamic stability) has been performed at Invitae for this missense variant, however the output from this modeling did not meet the statistical confidence thresholds required to predict the impact of this variant on DNAI1 protein function. This variant disrupts the p.Ala538 amino acid residue in DNAI1. Other variant(s) that disrupt this residue have been determined to be pathogenic (PMID: 16858015, 21143860). This suggests that this residue is clinically significant, and that variants that disrupt this residue are likely to be disease-causing. In summary, the available evidence is currently insufficient to determine the role of this variant in disease. Therefore, it has been classified as a Variant of Uncertain Significance.

Literature cited by the submitters: PubMed 16858015 (cited by Labcorp Genetics (formerly Invitae), Labcorp); PubMed 21143860 (cited by Labcorp Genetics (formerly Invitae), Labcorp).

NM_012144.4(DNAI1):c.1612G>T (p.Ala538Ser)

Gene: DNAI1 (dynein axonemal intermediate chain 1; plus strand). Cytogenetic location: 9p13.3.
Variant type: single nucleotide variant.
Coding change: c.1612G>T on transcript NM_012144.4 (MANE Select); coding-DNA position 1612, G replaced by T.
Protein change: p.Ala538Ser; replaces alanine 538 with serine.
Molecular consequence: missense variant.
Genome position (GRCh38, 1-based): chr9:34,514,436, G>T. VCF-style: chr9-34514436-G-T. GRCh37 (hg19) VCF-style: chr9-34514434-G-T.
Other names: c.1624G>T, p.Ala542Ser (NM_001281428.2); c.1612G>T (NM_012144.3); short protein forms A542S, A538S.
Identifiers: ClinVar variation 2888851 (VCV002888851.5), dbSNP rs368248592, ClinGen allele CA5034481.